The following is an entry in ClinVar:

NM_005026.5(PIK3CD):c.1299G>C (p.Lys433Asn)

Genes: PIK3CD (phosphatidylinositol-4,5-bisphosphate 3-kinase catalytic subunit delta; plus strand), LOC126805612 (MED14-independent group 3 enhancer GRCh37_chr1:9778914-9780113; plus strand). Cytogenetic location: 1p36.22.
Variant type: single nucleotide variant.
Coding change: c.1299G>C on transcript NM_005026.5 (MANE Select); coding-DNA position 1299, G replaced by C.
Protein change: p.Lys433Asn; replaces lysine 433 with asparagine.
Molecular consequence: missense variant.
Genome position (GRCh38, 1-based): chr1:9,719,977, G>C. VCF-style: chr1-9719977-G-C. GRCh37 (hg19) VCF-style: chr1-9780035-G-C.
Other names: c.1299G>C, p.Lys433Asn (NM_001350234.2); c.1212G>C, p.Lys404Asn (NM_001350235.1); short protein forms K433N, K404N.
Identifiers: ClinVar variation 1927568 (VCV001927568.7), dbSNP rs1378083934, ClinGen allele CA338302566.

ClinVar aggregate classification (germline): Uncertain significance. Review status: criteria provided, multiple submitters, no conflicts (2 of 4 stars). 2 submissions from 2 submitters: Uncertain significance (2). Last evaluated 2025-03-12.

Conditions:
Immunodeficiency 14 (IMD14A). Also called: Activated PI3K Delta Syndrome Type 1 (APDS1); p110-DELTA-ACTIVATING MUTATION CAUSING SENESCENT T CELLS, LYMPHADENOPATHY, AND IMMUNODEFICIENCY; IMMUNODEFICIENCY 14A WITH LYMPHOPROLIFERATION, AUTOSOMAL DOMINANT; ACTIVATED PI3K-DELTA SYNDROME 1. Identifiers: Orphanet 397596, Orphanet 693661, MedGen C5907821, MONDO:0014222, OMIM 615513.

Allele frequency attached by ClinVar (database versions not stated): gnomAD exomes below 0.00001.
gnomAD v4.1: 2 of 1,613,812 alleles (0.00012%); highest among the groups gnomAD compares: Admixed American, 0.0017%; no homozygotes.

Submissions (2):

Dasa
Classification: Uncertain significance. Last evaluated: 2025-03-12. Review status: criteria provided, single submitter. Criteria: DASA Assertion Criteria. Collection method: clinical testing. Allele origin: germline.
Comment: NM_005026.5(PIK3CD):c.1299G>C (p.Lys433Asn) is a missense variant that results in the substitution of lysine with asparagine. This variant is rare in population databases. The currently available literature and clinical evidence are not sufficient to establish a definitive association between this variant and the reported condition. Therefore, this variant is classified as a variant of uncertain significance.

Labcorp Genetics (formerly Invitae), Labcorp
Classification: Uncertain significance for Activated PI3K-delta syndrome. Last evaluated: 2025-02-18. Review status: criteria provided, single submitter. Criteria: Invitae Variant Classification Sherloc (09022015). Collection method: clinical testing. Allele origin: germline.
Comment: This sequence change replaces lysine, which is basic and polar, with asparagine, which is neutral and polar, at codon 433 of the PIK3CD protein (p.Lys433Asn). This variant is present in population databases (no rsID available, gnomAD no frequency). This variant has not been reported in the literature in individuals affected with PIK3CD-related conditions. ClinVar contains an entry for this variant (Variation ID: 1927568). Invitae Evidence Modeling of protein sequence and biophysical properties (such as structural, functional, and spatial information, amino acid conservation, physicochemical variation, residue mobility, and thermodynamic stability) indicates that this missense variant is expected to disrupt PIK3CD protein function with a positive predictive value of 80%. In summary, the available evidence is currently insufficient to determine the role of this variant in disease. Therefore, it has been classified as a Variant of Uncertain Significance.